The following is an entry in ClinVar:

NM_013275.6(ANKRD11):c.7569+1G>C

Gene: ANKRD11 (ankyrin repeat domain 11; minus strand). Cytogenetic location: 16q24.3.
Variant type: single nucleotide variant.
Coding change: c.7569+1G>C on transcript NM_013275.6 (MANE Select); the canonical splice donor site of the intron after coding-DNA position 7569, G replaced by C.
Molecular consequence: splice donor variant.
Genome position (GRCh38, 1-based): chr16:89,275,092, C>G on the plus strand (G>C on the coding strand, the complement: ANKRD11 is on the minus strand). VCF-style: chr16-89275092-C-G. GRCh37 (hg19) VCF-style: chr16-89341500-C-G.
Other names: c.7569+1G>C (NM_001256183.2, NM_001256182.2).
Identifiers: ClinVar variation 4854938 (VCV004854938.2).

ClinVar aggregate classification (germline): Likely pathogenic. Review status: criteria provided, multiple submitters, no conflicts (2 of 4 stars). 2 submissions from 2 submitters: Likely pathogenic (2). Last evaluated 2026-05-06.

Conditions:
KBG syndrome (KBGS). Also called: ANKRD11-Related KBG Syndrome. Identifiers: Orphanet 2332, MedGen C0220687, MONDO:0007846, OMIM 148050.

Submissions (2):

Victorian Clinical Genetics Services, Murdoch Childrens Research Institute
Classification: Likely pathogenic for KBG syndrome. Last evaluated: 2026-05-06. Review status: criteria provided, single submitter. Criteria: ACMG Guidelines, 2015. Collection method: clinical testing. Allele origin: germline. Affected: yes.
Comment: This variant is classified as Likely pathogenic. Evidence in support of pathogenic classification: Canonical splice site variant without proven consequence on splicing (no functional evidence available); Variant is absent from gnomAD (v2, v3 and v4); This variant has limited previous evidence of pathogenicity in an unrelated individual(s). This variant has been reported in the literature in an individual with short stature; however, further clinical details were unavailable (PMID: 39135054); Another splice region variant comparable to the one identified in this case has limited previous evidence for pathogenicity. c.7569+1G>A has been classified as pathogenic by clinical laboratories in ClinVar; Abnormal splicing is predicted by in silico tool and affected nucleotide is highly conserved. Additional information: This variant is heterozygous; This gene is associated with autosomal dominant disease; No published evidence of segregation with disease has been identified for this variant; No published functional evidence has been identified for this variant; Loss of function is a known mechanism of disease in this gene and is associated with KBG syndrome (MIM#148050); Variants in this gene are known to have variable expressivity. Intrafamilial variability is commonly reported (PMID: 29258554).

3billion
Classification: Likely pathogenic for KBG syndrome. Last evaluated: 2025-11-03. Review status: criteria provided, single submitter. Criteria: ACMG Guidelines, 2015. Collection method: clinical testing. Allele origin: germline. Affected: yes.
Comment: The variant is not observed in the gnomAD v4.1.0 dataset. Predicted Consequence/Location: Canonical splice site: predicted to alter splicing and result in a loss or disruption of normal protein function. Multiple pathogenic loss-of-function variants are reported downstream of the variant. In silico tools predict the variant to alter splicing and produce an abnormal transcript [SpliceAI: 1.00 (spliceogenicity >=0.2, non-spliceogenicity <0.1)]. Therefore, this variant is classified as Likely pathogenic according to the recommendation of ACMG/AMP guideline.

Literature cited by the submitters: PubMed 29258554 (cited by Victorian Clinical Genetics Services, Murdoch Childrens Research Institute); PubMed 39135054 (cited by Victorian Clinical Genetics Services, Murdoch Childrens Research Institute).